The following continues an entry in ClinVar:

NM_000441.2(SLC26A4):c.1151A>G (p.Glu384Gly)

Gene: SLC26A4. ClinVar aggregate classification (germline): Pathogenic/Likely pathogenic. Pathogenic (18); Likely pathogenic (1).

Submissions 15 to 21 of 21:

Laboratory for Molecular Medicine, Mass General Brigham Personalized Medicine
Classification: Pathogenic for Rare genetic deafness. Last evaluated: 2020-09-16. Review status: criteria provided, single submitter. Criteria: LMM Criteria. Collection method: clinical testing. Allele origin: germline. Observed: 14 variant alleles.
Comment: The p.Glu384Gly variant in SLC26A4 has been reported in at least 20 probands with Pendred syndrome or sensorineural hearing loss and segregated in additional affected relatives (Jonard 2010 PMID: 20621367, Coyle 1998 PMID: 9618167, Scott 2000 PMID: 10861298, Dai 2009 PMID: 19509082, Rotman-Pikielny 2002 PMID: 12354788, Borck 2003 PMID: 12788906, Blons 2004 PMID: 15355436, Choi 2009 PMID: 19204907, Cremers 1998 PMID: 9604973, Hutchin 2005 PMID: 16283880, Prasad 2004 PMID: 14679580, Pryor 2005 PMID: 15689455, Shears 2004 PMID: 15099345, Yoon 2008 PMID: 18310264, LMM data). Many of these probands were homozygous or compound heterozygous. It has been identified in 0.022% (28/126362) of European chromosomes by the Genome Aggregation Database (gnomAD; dbSNP rs111033244). Although this variant has been seen in the general population, its frequency is low enough to be consistent with a recessive carrier frequency. Functional studies have shown that the p.Glu384Gly variant protein confers no iodide and chloride transport activity (Scott 2000 PMID: 10861298, Choi 2009 PMID: 19204907). In summary, this variant meets criteria to be classified as pathogenic for autosomal recessive hearing loss or Pendred syndrome based on biallelic occurrences in multiple affected individuals, segregation studies, low frequency in the general population, and functional evidence. ACMG/AMP criteria applied: PM3_VeryStrong, PS4, PS3_Moderate, PM2_Supporting, PP1, PP4.

Victorian Clinical Genetics Services, Murdoch Childrens Research Institute
Classification: Pathogenic for Autosomal recessive nonsyndromic hearing loss 4. Last evaluated: 2020-05-25. Review status: criteria provided, single submitter. Criteria: ACMG Guidelines, 2015. Collection method: clinical testing. Allele origin: germline. Inheritance: Autosomal recessive inheritance. Affected: yes.
Comment: Based on the classification scheme VCGS_Germline_v1.1.1, this variant is classified as Pathogenic. Following criteria are met: 0102 - Loss-of-function is a known mechanism of disease for this gene. (N) 0106 - This gene is known to be associated with autosomal recessive disease. (N) 0200 - Variant is predicted to result in a missense amino acid change from glutamic acid to glycine (exon 10). (N) 0251 - Variant is heterozygous. (N) 0304 - Variant is present in gnomAD <0.01 for a recessive condition (30 heterozygotes, 0 homozygotes). (P) 0501 - Missense variant consistently predicted to be damaging by multiple in silico tools or highly conserved with a major amino acid change. (P) 0600 - Variant is located in an annotated domain or motif (sulfate transporter domain; PDB, NCBI). (N) 0801 - Strong previous evidence of pathogenicity in unrelated individuals. This variant has been reported as pathogenic in patients with hearing loss with enlarged vestibular aqueduct or Pendred syndrome (ClinVar, PMIDs: 26485571, 19204907, 9618167). (P) 1002 - Moderate functional evidence supporting abnormal protein function. Functional studies showed the mutant protein was retained in the endoplasmic reticulum in human COS7 cells (PMID:12354788). The iodide and chloride uptake was lost in Xenopus oocytes containing the mutant cRNA. (PMID:10861298). (P) 1101 - Very strong and specific phenotype match. (P) 1208 - Inheritance information for this variant is not currently available. (N) Legend: (P) - Pathogenic, (N) - Neutral, (B) - Benign

Myriad Genetics, Inc.
Classification: Likely pathogenic for Pendred syndrome. Last evaluated: 2019-11-18. Review status: criteria provided, single submitter. Criteria: Myriad Women's Health Autosomal Recessive and X-Linked Classification Criteria (2019). Collection method: clinical testing. Allele origin: unknown.
Comment: NM_000441.1(SLC26A4):c.1151A>G(E384G) is classified as likely pathogenic in the context of Pendred syndrome. Sources cited for classification include the following: PMID 15689455, 9618167, 18310264 and 12354788. Classification of NM_000441.1(SLC26A4):c.1151A>G(E384G) is based on the following criteria: This variant has been observed more frequently in patients with clinical diagnoses and is very rare or not present in genetic databases of healthy populations. Please note: this variant was assessed in the context of healthy population screening.

Illumina Laboratory Services, Illumina
Classification: Pathogenic for SLC26A4-Related Disorders. Last evaluated: 2018-08-24. Review status: criteria provided, single submitter. Criteria: ICSL Variant Classification Criteria 09 May 2019. Collection method: clinical testing. Allele origin: germline.
Comment: Across a selection of the available literature, the SLC26A4 c.1151A>G (p.Glu384Gly) missense variant has been identified in at least 24 probands with Pendred syndrome or non-syndromic hearing loss, with 16 probands in a compound heterozygous state (with two sib-pairs) and eight probands in a heterozygous state (Coyle et al. 1998; Borck et al. 2003; Blons et al. 2004; Hutchin et al. 2005; Pryor et al. 2005; Dai et al. 2009; Choi et al. 2009; Jonard et al. 2010). Segregation with disease was found in at least one family (Borck et al. 2003). The variant was absent from 415 controls and is reported at a frequency of 0.00035 in the European American population of the Exome Sequencing Project. Functional studies have shown that the p.Glu384Gly variant protein is consistently located in the intracellular region rather than the plasma membrane and shows decreased Cl-/HCO3- exchange activity (Rotman-Pikielny et al. 2002; Yoon et al. 2008) and an almost complete loss of pendrin-induced iodide and chloride transport activity compared to wild type (Scott et al. 2000; Choi et al. 2009). Based on the collective evidence, the p.Glu384Gly variant is classified as pathogenic for SLC26A4-related disorders. This variant was observed by ICSL as part of a predisposition screen in an ostensibly healthy population.

UNC Molecular Genetics  Laboratory, University of North Carolina at Chapel Hill
Classification: Pathogenic for Enlarged vestibular aqueduct. Review status: criteria provided, single submitter. Criteria: ACMG Guidelines, 2015. Collection method: research. Allele origin: maternal. Affected: yes. Observed: 1 variant allele. Study: NSIGHT-NC NEXUS.
Comment: The SLC26A4 c.1151A>G (p.E384G) variant has been previously reported in multiple individuals with Pendred syndrome or DFNB4 nonsyndromic hearing loss (PMID: 9618167; 15355436; 10861298; 15689455; 16283880; 24224479).

OMIM
Classification: Pathogenic for PENDRED SYNDROME. Last evaluated: 2008-07-01. Review status: no assertion criteria provided. Collection method: literature only. Allele origin: germline. Not counted in ClinVar's aggregate classification.

GeneReviews
No classification provided. Condition: Pendred syndrome. Review status: no classification provided. Collection method: literature only. Allele origin: germline. Not counted in ClinVar's aggregate classification.

Literature cited by the submitters: PubMed 9618167 (cited by 8 submitters); PubMed 15355436 (cited by 4 submitters); PubMed 15689455 (cited by 5 submitters); PubMed 16283880 (cited by 5 submitters); PubMed 24224479 (cited by Labcorp Genetics (formerly Invitae), Labcorp and UNC Molecular Genetics  Laboratory, University of North Carolina at Chapel Hill); PubMed 10861298 (cited by 6 submitters); PubMed 12354788 (cited by 6 submitters); PubMed 18310264 (cited by 5 submitters); PubMed 22116358 (cited by Labcorp Genetics (formerly Invitae), Labcorp); PubMed 23336812 (cited by Natera, Inc.); PubMed 34171171 (cited by Women's Health and Genetics/Laboratory Corporation of America, LabCorp); PubMed 12788906 (cited by Laboratory for Molecular Medicine, Mass General Brigham Personalized Medicine and Illumina Laboratory Services, Illumina); PubMed 14679580 (cited by Laboratory for Molecular Medicine, Mass General Brigham Personalized Medicine); PubMed 9604973 (cited by Laboratory for Molecular Medicine, Mass General Brigham Personalized Medicine); PubMed 19204907 (cited by 3 submitters); PubMed 19509082 (cited by Laboratory for Molecular Medicine, Mass General Brigham Personalized Medicine and Illumina Laboratory Services, Illumina); PubMed 19620588 (cited by Laboratory for Molecular Medicine, Mass General Brigham Personalized Medicine); PubMed 15099345 (cited by Laboratory for Molecular Medicine, Mass General Brigham Personalized Medicine); PubMed 20621367 (cited by Laboratory for Molecular Medicine, Mass General Brigham Personalized Medicine and Illumina Laboratory Services, Illumina); PubMed 26485571 (cited by Victorian Clinical Genetics Services, Murdoch Childrens Research Institute); PubMed 20301640 (cited by UNC Molecular Genetics  Laboratory, University of North Carolina at Chapel Hill); NCBI Bookshelf NBK1467 (cited by GeneReviews).